The following is an entry in ClinVar:

ClinVar aggregate classification (germline): Uncertain significance (1 of 4 stars; one submission).

Submission:

GeneDx
Classification: Uncertain significance. Last evaluated: 2024-01-18. Review status: criteria provided, single submitter. Criteria: GeneDx Variant Classification Process June 2021. Collection method: clinical testing. Allele origin: germline. Affected: yes.
Comment: Not observed at significant frequency in large population cohorts (gnomAD); In silico analysis supports that this missense variant has a deleterious effect on protein structure/function; Has not been previously published as pathogenic or benign to our knowledge

NM_003601.4(SMARCA5):c.2299A>G (p.Lys767Glu)

Gene: SMARCA5 (SNF2 related chromatin remodeling ATPase 5; plus strand). Cytogenetic location: 4q31.21.
Variant type: single nucleotide variant.
Coding change: c.2299A>G on transcript NM_003601.4 (MANE Select); coding-DNA position 2299, A replaced by G.
Protein change: p.Lys767Glu; replaces lysine 767 with glutamic acid.
Molecular consequence: missense variant.
Genome position (GRCh38, 1-based): chr4:143,545,485, A>G. VCF-style: chr4-143545485-A-G. GRCh37 (hg19) VCF-style: chr4-144466638-A-G.
Other names: short protein forms K767E.
Identifiers: ClinVar variation 3367399 (VCV003367399.1).